The following is an entry in ClinVar:

NM_004304.5(ALK):c.4451A>G (p.Asn1484Ser)

Gene: ALK (ALK receptor tyrosine kinase; minus strand). Cytogenetic location: 2p23.2.
Variant type: single nucleotide variant.
Coding change: c.4451A>G on transcript NM_004304.5 (MANE Select); coding-DNA position 4451, A replaced by G.
Protein change: p.Asn1484Ser; replaces asparagine 1484 with serine.
Molecular consequence: missense variant.
Genome position (GRCh38, 1-based): chr2:29,193,636, T>C on the plus strand (A>G on the coding strand, the complement: ALK is on the minus strand). VCF-style: chr2-29193636-T-C. GRCh37 (hg19) VCF-style: chr2-29416502-T-C.
Other names: c.1247A>G, p.Asn416Ser (NM_001353765.2); short protein forms N1484S, N416S.
Identifiers: ClinVar variation 952348 (VCV000952348.14), dbSNP rs752320442, ClinGen allele CA1593572.

ClinVar aggregate classification (germline): Uncertain significance. Review status: criteria provided, multiple submitters, no conflicts (2 of 4 stars). 5 submissions from 5 submitters: Uncertain significance (5). Last evaluated 2025-05-27.

Conditions:
Hereditary cancer-predisposing syndrome. Also called: Hereditary neoplastic syndrome; Tumor predisposition; Neoplastic Syndromes, Hereditary; Hereditary Cancer Syndrome. Identifiers: Orphanet 140162, MedGen C0027672, MeSH D009386, MONDO:0015356.
Neuroblastoma, susceptibility to, 3. Also called: ALK-Related Neuroblastic Tumor Susceptibility. Identifiers: Orphanet 635, MedGen C2751681, MONDO:0013083, OMIM 613014.

Allele frequency attached by ClinVar (database versions not stated): ExAC 0.00001; gnomAD exomes 0.00001.
gnomAD v4.1: 17 of 1,614,194 alleles (0.0011%); highest among the groups gnomAD compares: South Asian, 0.0022%; no homozygotes.

Submissions (5):

Ambry Genetics
Classification: Uncertain significance for Hereditary cancer-predisposing syndrome. Last evaluated: 2025-05-27. Review status: criteria provided, single submitter. Criteria: Ambry Variant Classification Scheme 2023. Collection method: clinical testing. Allele origin: germline.
Comment: The p.N1484S variant (also known as c.4451A>G), located in coding exon 29 of the ALK gene, results from an A to G substitution at nucleotide position 4451. The asparagine at codon 1484 is replaced by serine, an amino acid with highly similar properties. This amino acid position is conserved. In addition, this alteration is predicted to be tolerated by in silico analysis. Since supporting evidence is limited at this time, the clinical significance of this alteration remains unclear.

Labcorp Genetics (formerly Invitae), Labcorp
Classification: Uncertain significance for Neuroblastoma, susceptibility to, 3. Last evaluated: 2024-10-07. Review status: criteria provided, single submitter. Criteria: Invitae Variant Classification Sherloc (09022015). Collection method: clinical testing. Allele origin: germline.
Comment: This sequence change replaces asparagine, which is neutral and polar, with serine, which is neutral and polar, at codon 1484 of the ALK protein (p.Asn1484Ser). This variant is present in population databases (rs752320442, gnomAD 0.006%). This variant has not been reported in the literature in individuals affected with ALK-related conditions. ClinVar contains an entry for this variant (Variation ID: 952348). An algorithm developed to predict the effect of missense changes on protein structure and function (PolyPhen-2) suggests that this variant is likely to be tolerated. In summary, the available evidence is currently insufficient to determine the role of this variant in disease. Therefore, it has been classified as a Variant of Uncertain Significance.

GeneDx
Classification: Uncertain significance. Last evaluated: 2024-05-06. Review status: criteria provided, single submitter. Criteria: GeneDx Variant Classification Process June 2021. Collection method: clinical testing. Allele origin: germline. Affected: yes.
Comment: Not observed at significant frequency in large population cohorts (gnomAD); In silico analysis supports that this missense variant has a deleterious effect on protein structure/function; Has not been previously published as pathogenic or benign to our knowledge; This variant is associated with the following publications: (PMID: 36989521)

Fulgent Genetics
Classification: Uncertain significance for Neuroblastoma, susceptibility to, 3. Last evaluated: 2024-02-21. Review status: criteria provided, single submitter. Criteria: ACMG Guidelines, 2015. Collection method: clinical testing. Allele origin: germline.

Sema4
Classification: Uncertain significance for Hereditary cancer-predisposing syndrome. Last evaluated: 2022-03-16. Review status: criteria provided, single submitter. Criteria: Sema4 Curation Guidelines. Collection method: curation. Allele origin: germline.
Comment: The ALK c.4451A>G(p.N1484S) variant has not been reported in the literature to our knowledge. It was observed in 2/30614 chromosomes of the South Asian subpopulation in the large and broad cohorts of the Genome Aggregation Database (PMID: 32461654). This variant has been reported in ClinVar (Variation ID 952348). In silico tools suggest the impact of the variant on protein function is benign, though these predictions have not been confirmed by functional studies. The evidence is insufficient to meet ACMG/AMP criteria for classifying the variant as benign or pathogenic. Thus, the clinical significance of this variant is currently uncertain.